The following is an entry in ClinVar:

NM_182961.4(SYNE1):c.17889A>C (p.Glu5963Asp)

Gene: SYNE1 (spectrin repeat containing nuclear envelope protein 1; minus strand). Cytogenetic location: 6q25.2.
Variant type: single nucleotide variant.
Coding change: c.17889A>C on transcript NM_182961.4 (MANE Select); coding-DNA position 17889, A replaced by C.
Protein change: p.Glu5963Asp; replaces glutamic acid 5963 with aspartic acid.
Molecular consequence: missense variant.
Genome position (GRCh38, 1-based): chr6:152,293,711, T>G on the plus strand (A>C on the coding strand, the complement: SYNE1 is on the minus strand). VCF-style: chr6-152293711-T-G. GRCh37 (hg19) VCF-style: chr6-152614846-T-G.
Other names: c.17676A>C, p.Glu5892Asp (NM_033071.5); short protein forms E5892D, E5963D.
Identifiers: ClinVar variation 4784122 (VCV004784122.1).
Genomic context (GRCh38, chr6:152,293,711, plus strand): 5'-CTCAATGGCCTCCATCTTCGTAGAGATGGACTGGAGGGAGTCCTGGTACTTCTGCTGGCG[T>G]TCCAAAGCTTCATAGAGTGTGCGCTGCTTCTCACTGATCTACACCAGAAAAGGGATATTA-3'
Protein context (NP_892006.3, residues 5953-5973): EKQRTLYEAL[Glu5963Asp]RQQKYQDSLQ

ClinVar aggregate classification (germline): Uncertain significance (1 of 4 stars; one submission).

Conditions:
Autosomal recessive ataxia, Beauce type. Also called: SYNE1-Related Autosomal Recessive Cerebellar Ataxia; Spinocerebellar ataxia, autosomal recessive 8; ATAXIA, RECESSIVE, OF BEAUCE; SYNE1 Deficiency. Identifiers: Orphanet 88644, MedGen C1853116, MONDO:0012549, OMIM 610743.
Emery-Dreifuss muscular dystrophy 4, autosomal dominant (EDMD4). Also called: EMERY-DREIFUSS MUSCULAR DYSTROPHY 4 WITH VARIABLE FEATURES. Identifiers: Orphanet 261, MedGen C2751807, MONDO:0013071, OMIM 612998.

Submission:

Labcorp Genetics (formerly Invitae), Labcorp
Classification: Uncertain significance for Emery-Dreifuss muscular dystrophy 4, autosomal dominant; Autosomal recessive ataxia, Beauce type. Last evaluated: 2025-04-19. Review status: criteria provided, single submitter. Criteria: Invitae Variant Classification Sherloc (09022015). Collection method: clinical testing. Allele origin: germline.
Comment: This sequence change replaces glutamic acid, which is acidic and polar, with aspartic acid, which is acidic and polar, at codon 5892 of the SYNE1 protein (p.Glu5892Asp). This variant is not present in population databases (gnomAD no frequency). This variant has not been reported in the literature in individuals affected with SYNE1-related conditions. An algorithm developed to predict the effect of missense changes on protein structure and function (PolyPhen-2) suggests that this variant is likely to be disruptive. In summary, the available evidence is currently insufficient to determine the role of this variant in disease. Therefore, it has been classified as a Variant of Uncertain Significance.